The following is an entry in ClinVar:

ClinVar aggregate classification (germline): Benign (1 of 4 stars; one submission).

Allele frequency attached by ClinVar (database versions not stated): gnomAD exomes 0.05483; gnomAD 0.10446 and 0.10805; 1000 Genomes Project 0.11202; TOPMed 0.11305; 1000 Genomes Project 30x 0.11696.
gnomAD v4.1: 44,483 of 668,292 alleles (6.7%); highest among the groups gnomAD compares: African/African-American, 25%; 2,793 homozygotes.

Submission:

GeneDx
Classification: Benign. Last evaluated: 2018-06-14. Review status: criteria provided, single submitter. Criteria: GeneDx Variant Classification (06012015). Collection method: clinical testing. Allele origin: germline. Affected: yes.
Comment: This variant is considered likely benign or benign based on one or more of the following criteria: it is a conservative change, it occurs at a poorly conserved position in the protein, it is predicted to be benign by multiple in silico algorithms, and/or has population frequency not consistent with disease.

NM_170707.4(LMNA):c.357-3535T>C

Gene: LMNA (lamin A/C; plus strand). Cytogenetic location: 1q22.
Variant type: single nucleotide variant.
Coding change: c.357-3535T>C on transcript NM_170707.4 (MANE Select); 3535 bases into the intron before coding-DNA position 357, T replaced by C.
Molecular consequence: intron variant.
Genome position (GRCh38, 1-based): chr1:156,127,082, T>C. VCF-style: chr1-156127082-T-C. GRCh37 (hg19) VCF-style: chr1-156096873-T-C.
Other names: c.357-3535T>C (NM_001282625.2, NM_001282626.2, NM_170708.4 and 1 more transcripts); c.20+859T>C (NM_001257374.3); c.113+167T>C (NM_001282624.2).
Identifiers: ClinVar variation 672780 (VCV000672780.1), dbSNP rs622834, ClinGen allele CA10816028.